The following is an entry in ClinVar:

NM_005476.7(GNE):c.1185T>A (p.Asn395Lys)

Gene: GNE (glucosamine (UDP-N-acetyl)-2-epimerase/N-acetylmannosamine kinase; minus strand). Cytogenetic location: 9p13.3.
Variant type: single nucleotide variant.
Coding change: c.1185T>A on transcript NM_005476.7 (MANE Select); coding-DNA position 1185, T replaced by A.
Protein change: p.Asn395Lys; replaces asparagine 395 with lysine.
Molecular consequence: missense variant.
Genome position (GRCh38, 1-based): chr9:36,227,344, A>T on the plus strand (T>A on the coding strand, the complement: GNE is on the minus strand). VCF-style: chr9-36227344-A-T. GRCh37 (hg19) VCF-style: chr9-36227341-A-T.
Other names: c.1278T>A, p.Asn426Lys (NM_001128227.3); c.1185T>A, p.Asn395Lys (NM_001190383.3); c.855T>A, p.Asn285Lys (NM_001190384.3); c.1008T>A, p.Asn336Lys (NM_001190388.2, NM_001374798.1); c.1032T>A, p.Asn344Lys (NM_001374797.1); short protein forms N344K, N285K, N336K, N395K, N426K.
Identifiers: ClinVar variation 2951557 (VCV002951557.3), dbSNP rs2489662990, ClinGen allele CA373428805.

ClinVar aggregate classification (germline): Uncertain significance (1 of 4 stars; one submission).

Conditions:
Sialuria. Also called: Sialic Acid Storage Disease; SIALURIA, FRENCH TYPE. Identifiers: Orphanet 3166, MedGen C0342853, MONDO:0010028, OMIM 269921.
GNE myopathy (NM). Also called: INCLUSION BODY MYOPATHY, HEREDITARY, AUTOSOMAL RECESSIVE; INCLUSION BODY MYOPATHY 2, AUTOSOMAL RECESSIVE; MYOPATHY, DISTAL, WITH OR WITHOUT RIMMED VACUOLES; Inclusion body myopathy quadriceps sparing; IBM 2; Inclusion body myopathy autosomal recessive. Identifiers: Orphanet 602, MedGen C1853926, MONDO:0011603, OMIM 605820.

Submission:

Labcorp Genetics (formerly Invitae), Labcorp
Classification: Uncertain significance for Sialuria; GNE myopathy. Last evaluated: 2023-09-03. Review status: criteria provided, single submitter. Criteria: Invitae Variant Classification Sherloc (09022015). Collection method: clinical testing. Allele origin: germline.
Comment: This sequence change replaces asparagine, which is neutral and polar, with lysine, which is basic and polar, at codon 426 of the GNE protein (p.Asn426Lys). This variant is not present in population databases (gnomAD no frequency). This variant has not been reported in the literature in individuals affected with GNE-related conditions. Advanced modeling of protein sequence and biophysical properties (such as structural, functional, and spatial information, amino acid conservation, physicochemical variation, residue mobility, and thermodynamic stability) has been performed at Invitae for this missense variant, however the output from this modeling did not meet the statistical confidence thresholds required to predict the impact of this variant on GNE protein function. In summary, the available evidence is currently insufficient to determine the role of this variant in disease. Therefore, it has been classified as a Variant of Uncertain Significance.